The following is an entry in ClinVar:

ClinVar aggregate classification (germline): Uncertain significance. Review status: criteria provided, multiple submitters, no conflicts (2 of 4 stars). 2 submissions from 2 submitters: Uncertain significance (2). Last evaluated 2025-06-07.

Conditions:
Inborn genetic diseases. Identifiers: MedGen C0950123, MeSH D030342.
Pyogenic arthritis-pyoderma gangrenosum-acne syndrome (PAPA). Also called: PAPA SYNDROME; FAMILIAL RECURRENT ARTHRITIS. Identifiers: Orphanet 69126, MedGen C1858361, MONDO:0011462, OMIM 604416.

Allele frequency attached by ClinVar (database versions not stated): TOPMed below 0.00001; ExAC 0.00001; gnomAD 0.00001.
gnomAD v4.1: 14 of 1,610,284 alleles (0.00087%); highest among the groups gnomAD compares: Admixed American, 0.0017%; no homozygotes.

Submissions (2):

Ambry Genetics
Classification: Uncertain significance for Inborn genetic diseases. Last evaluated: 2025-06-07. Review status: criteria provided, single submitter. Criteria: Ambry Variant Classification Scheme 2023. Collection method: clinical testing. Allele origin: germline.

Labcorp Genetics (formerly Invitae), Labcorp
Classification: Uncertain significance for Pyogenic arthritis-pyoderma gangrenosum-acne syndrome. Last evaluated: 2023-05-28. Review status: criteria provided, single submitter. Criteria: Invitae Variant Classification Sherloc (09022015). Collection method: clinical testing. Allele origin: germline.
Comment: In summary, the available evidence is currently insufficient to determine the role of this variant in disease. Therefore, it has been classified as a Variant of Uncertain Significance. An algorithm developed to predict the effect of missense changes on protein structure and function (PolyPhen-2) suggests that this variant is likely to be tolerated. This variant has not been reported in the literature in individuals affected with PSTPIP1-related conditions. ClinVar contains an entry for this variant (Variation ID: 573827). This variant is present in population databases (rs781251437, gnomAD 0.0009%). This sequence change replaces asparagine, which is neutral and polar, with lysine, which is basic and polar, at codon 356 of the PSTPIP1 protein (p.Asn356Lys).

NM_003978.5(PSTPIP1):c.1068C>G (p.Asn356Lys)

Gene: PSTPIP1 (proline-serine-threonine phosphatase interacting protein 1; plus strand). Cytogenetic location: 15q24.3.
Variant type: single nucleotide variant.
Coding change: c.1068C>G on transcript NM_003978.5 (MANE Select); coding-DNA position 1068, C replaced by G.
Protein change: p.Asn356Lys; replaces asparagine 356 with lysine.
Molecular consequence: missense variant. On other transcripts: non-coding transcript variant (1).
Genome position (GRCh38, 1-based): chr15:77,035,884, C>G. VCF-style: chr15-77035884-C-G. GRCh37 (hg19) VCF-style: chr15-77328225-C-G.
Other names: c.1011C>G, p.Asn337Lys (NM_001321135.2); c.1041C>G, p.Asn347Lys (NM_001321136.2); c.1263C>G, p.Asn421Lys (NM_001321137.1); short protein forms N356K, N337K, N347K, N421K.
Identifiers: ClinVar variation 573827 (VCV000573827.10), dbSNP rs781251437, ClinGen allele CA7676151.